The following is an entry in ClinVar:

NM_000161.3(GCH1):c.695G>A (p.Gly232Asp)

Gene: GCH1 (GTP cyclohydrolase 1; minus strand). Cytogenetic location: 14q22.2.
Variant type: single nucleotide variant.
Coding change: c.695G>A on transcript NM_000161.3 (MANE Select); coding-DNA position 695, G replaced by A.
Protein change: p.Gly232Asp; replaces glycine 232 with aspartic acid.
Molecular consequence: missense variant. On other transcripts: intron variant (2).
Genome position (GRCh38, 1-based): chr14:54,844,075, C>T on the plus strand (G>A on the coding strand, the complement: GCH1 is on the minus strand). VCF-style: chr14-54844075-C-T. GRCh37 (hg19) VCF-style: chr14-55310793-C-T.
Other names: c.695G>A, p.Gly232Asp (NM_001024024.2); c.627-1021G>A (NM_001024071.2); c.627-206G>A (NM_001024070.2); short protein forms G232D.
Identifiers: ClinVar variation 1407807 (VCV001407807.6), dbSNP rs2140038792, ClinGen allele CA389787049.

ClinVar aggregate classification (germline): Uncertain significance (1 of 4 stars; one submission).

Conditions:
GTP cyclohydrolase I deficiency. Identifiers: MedGen C0268467, MONDO:0100184.
Dystonia 5 (DRD). Also called: Dystonia, DOPA-responsive, with or without hyperphenylalaninemia; DYT-GCH1; GTP Cyclohydrolase 1-Deficient Dopa-Responsive Dystonia; DYSTONIA, PROGRESSIVE, WITH DIURNAL VARIATION; DYSTONIA-PARKINSONISM WITH DIURNAL FLUCTUATION. Identifiers: Orphanet 98808, MedGen C1851920, MONDO:0007495, OMIM 128230.

Submission:

Labcorp Genetics (formerly Invitae), Labcorp
Classification: Uncertain significance for GTP cyclohydrolase I deficiency; Dystonia 5. Last evaluated: 2025-04-17. Review status: criteria provided, single submitter. Criteria: Invitae Variant Classification Sherloc (09022015). Collection method: clinical testing. Allele origin: germline.
Comment: This sequence change replaces glycine, which is neutral and non-polar, with aspartic acid, which is acidic and polar, at codon 232 of the GCH1 protein (p.Gly232Asp). This variant is not present in population databases (gnomAD no frequency). This missense change has been observed in individual(s) with Parkinson disease (PMID: 28582483). ClinVar contains an entry for this variant (Variation ID: 1407807). Invitae Evidence Modeling of protein sequence and biophysical properties (such as structural, functional, and spatial information, amino acid conservation, physicochemical variation, residue mobility, and thermodynamic stability) indicates that this missense variant is expected to disrupt GCH1 protein function with a positive predictive value of 80%. This variant disrupts the p.Gly232 amino acid residue in GCH1. Other variant(s) that disrupt this residue have been observed in individuals with GCH1-related conditions (PMID: 24939974, 34890878), which suggests that this may be a clinically significant amino acid residue. In summary, the available evidence is currently insufficient to determine the role of this variant in disease. Therefore, it has been classified as a Variant of Uncertain Significance.

Literature cited by the submitters: PubMed 28582483; PubMed 24939974; PubMed 34890878.